The following is an entry in ClinVar:

NM_000090.4(COL3A1):c.4047C>T (p.Val1349=)

Gene: COL3A1 (collagen type III alpha 1 chain; plus strand). Cytogenetic location: 2q32.2.
Variant type: single nucleotide variant.
Coding change: c.4047C>T on transcript NM_000090.4 (MANE Select); coding-DNA position 4047, C replaced by T.
Protein change: p.Val1349=; no amino-acid change (valine 1349 retained).
Molecular consequence: synonymous variant.
Genome position (GRCh38, 1-based): chr2:189,010,683, C>T. VCF-style: chr2-189010683-C-T. GRCh37 (hg19) VCF-style: chr2-189875409-C-T.
Identifiers: ClinVar variation 2885677 (VCV002885677.25), dbSNP rs1324672067, ClinGen allele CA430442220.

ClinVar aggregate classification (germline): Likely benign. Review status: criteria provided, multiple submitters, no conflicts (2 of 4 stars). 2 submissions from 2 submitters: Likely benign (2). Last evaluated 2024-02-01.

Conditions:
Ehlers-Danlos syndrome, type 4 (EDSVASC). Also called: Ehlers-Danlos syndrome vascular type; Ehlers Danlos syndrome, ecchymotic type; Ehlers Danlos syndrome, arterial type; Ehlers Danlos syndrome, Sack-Barabas type; Ehlers-Danlos Syndrome Type IV. Identifiers: Orphanet 286, MedGen C0268338, MONDO:0017314, OMIM 130050.

gnomAD v4.1: 5 of 1,614,112 alleles (0.00031%); highest among the groups gnomAD compares: East Asian, 0.011%; no homozygotes.

Submissions (2):

CeGaT Center for Human Genetics Tuebingen
Classification: Likely benign. Last evaluated: 2024-02-01. Review status: criteria provided, single submitter. Criteria: CeGaT Center For Human Genetics Tuebingen Variant Classification Criteria Version 2. Collection method: clinical testing. Allele origin: germline. Affected: yes. Observed: 1 variant allele.
Comment: COL3A1: PM2:Supporting, BP4, BP7

Labcorp Genetics (formerly Invitae), Labcorp
Classification: Likely benign for Ehlers-Danlos syndrome, type 4. Last evaluated: 2023-10-12. Review status: criteria provided, single submitter. Criteria: Invitae Variant Classification Sherloc (09022015). Collection method: clinical testing. Allele origin: germline.